The following is an entry in ClinVar:

ClinVar aggregate classification (germline): Likely pathogenic (1 of 4 stars; one submission).

Conditions:
Joubert syndrome and related disorders. Identifiers: Orphanet 140874, MedGen C5679612, MONDO:0015369.

Allele frequency attached by ClinVar (database versions not stated): gnomAD 0.00001; gnomAD exomes 0.00001; ExAC 0.00002.
gnomAD v4.1: 5 of 1,613,144 alleles (0.00031%); highest among the groups gnomAD compares: African/African-American, 0.0067%; no homozygotes.

Submission:

Women's Health and Genetics/Laboratory Corporation of America, LabCorp
Classification: Likely pathogenic for Joubert syndrome and related disorders. Last evaluated: 2022-12-09. Review status: criteria provided, single submitter. Criteria: LabCorp Variant Classification Summary - May 2015. Collection method: clinical testing. Allele origin: germline.
Comment: Variant summary: CPLANE1 c.5167C>T (p.Gln1723X) results in a premature termination codon, predicted to cause a truncation of the encoded protein or absence of the protein due to nonsense mediated decay, which are commonly known mechanisms for disease. Truncations downstream of this position have been classified as pathogenic in ClinVar and reported in association with Joubert syndrome and Oral-facial-digital syndrome VI in HGMD. The variant allele was found at a frequency of 8.2e-06 in 363920 control chromosomes (gnomAD v2 & v3). This frequency does not allow conclusions about variant significance. To our knowledge, no occurrence of c.5167C>T in individuals affected with Joubert Syndrome and related disorders and no experimental evidence demonstrating its impact on protein function have been reported. No clinical diagnostic laboratories have submitted clinical-significance assessments for this variant to ClinVar after 2014. Based on the evidence outlined above, the variant was classified as likely pathogenic.

NM_001384732.1(CPLANE1):c.5167C>T (p.Gln1723Ter)

Gene: CPLANE1 (ciliogenesis and planar polarity effector complex subunit 1; minus strand). Cytogenetic location: 5p13.2.
Variant type: single nucleotide variant.
Coding change: c.5167C>T on transcript NM_001384732.1 (MANE Select); coding-DNA position 5167, C replaced by T.
Protein change: p.Gln1723Ter; replaces glutamine 1723 with a stop codon.
Molecular consequence: nonsense.
Genome position (GRCh38, 1-based): chr5:37,183,014, G>A on the plus strand (C>T on the coding strand, the complement: CPLANE1 is on the minus strand). VCF-style: chr5-37183014-G-A. GRCh37 (hg19) VCF-style: chr5-37183116-G-A.
Other names: c.5167C>T, p.Gln1723Ter (NM_023073.4); short protein forms Q1723*.
Identifiers: ClinVar variation 1878268 (VCV001878268.1), dbSNP rs769127057, ClinGen allele CA3238595.